The following is an entry in ClinVar:

ClinVar aggregate classification (germline): Pathogenic. Review status: criteria provided, multiple submitters, no conflicts (2 of 4 stars). 2 submissions from 2 submitters: Pathogenic (2). Last evaluated 2026-02-26.

Conditions:
Neurofibromatosis, type 1 (NF1). Also called: VON RECKLINGHAUSEN DISEASE; Peripheral type neurofibromatosis; NEUROFIBROMATOSIS, TYPE I, SOMATIC; Neurofibromatosis, type I. Identifiers: Orphanet 636, MedGen C0027831, MONDO:0018975, OMIM 162200. Disease mechanism: loss of function.

Submissions (2):

NHS Central & South Genomic Laboratory Hub
Classification: Pathogenic for Neurofibromatosis type 1. Last evaluated: 2026-02-26. Review status: criteria provided, single submitter. Criteria: ACMG Guidelines, 2015. Collection method: clinical testing. Allele origin: germline. Affected: yes.

Labcorp Genetics (formerly Invitae), Labcorp
Classification: Pathogenic for Neurofibromatosis, type 1. Last evaluated: 2020-06-27. Review status: criteria provided, single submitter. Criteria: Invitae Variant Classification Sherloc (09022015). Collection method: clinical testing. Allele origin: germline.
Comment: For these reasons, this variant has been classified as Pathogenic. Loss-of-function variants in NF1 are known to be pathogenic (PMID: 10712197, 23913538). This nonsense change has been observed in individual(s) with neurofibromatosis type 1 (PMID: 28961165). This variant is not present in population databases (ExAC no frequency). This sequence change creates a premature translational stop signal (p.Leu650*) in the NF1 gene. It is expected to result in an absent or disrupted protein product.

Literature cited by the submitters: PubMed 10712197 (cited by Labcorp Genetics (formerly Invitae), Labcorp); PubMed 23913538 (cited by Labcorp Genetics (formerly Invitae), Labcorp); PubMed 28961165 (cited by Labcorp Genetics (formerly Invitae), Labcorp).

NM_001042492.3(NF1):c.1949T>G (p.Leu650Ter)

Gene: NF1 (neurofibromin 1; plus strand). Cytogenetic location: 17q11.2.
Variant type: single nucleotide variant.
Coding change: c.1949T>G on transcript NM_001042492.3 (MANE Select); coding-DNA position 1949, T replaced by G.
Protein change: p.Leu650Ter; replaces leucine 650 with a stop codon.
Molecular consequence: nonsense.
Genome position (GRCh38, 1-based): chr17:31,225,198, T>G. VCF-style: chr17-31225198-T-G. GRCh37 (hg19) VCF-style: chr17-29552216-T-G.
Other names: c.1949T>G, p.Leu650Ter (NM_000267.4); short protein forms L650*.
Identifiers: ClinVar variation 1072477 (VCV001072477.6), dbSNP rs1135402826, ClinGen allele CA399005476.